The following is an entry in ClinVar:

NM_025114.4(CEP290):c.5029G>T (p.Glu1677Ter)

Gene: CEP290 (centrosomal protein 290; minus strand). Cytogenetic location: 12q21.32.
Variant type: single nucleotide variant.
Coding change: c.5029G>T on transcript NM_025114.4 (MANE Select); coding-DNA position 5029, G replaced by T.
Protein change: p.Glu1677Ter; replaces glutamic acid 1677 with a stop codon.
Molecular consequence: nonsense.
Genome position (GRCh38, 1-based): chr12:88,080,379, C>A on the plus strand (G>T on the coding strand, the complement: CEP290 is on the minus strand). VCF-style: chr12-88080379-C-A. GRCh37 (hg19) VCF-style: chr12-88474156-C-A.
Other names: short protein forms E1677*.
Identifiers: ClinVar variation 5013319 (VCV005013319.1).

ClinVar aggregate classification (germline): Pathogenic (1 of 4 stars; one submission).

Conditions:
CEP290-related ciliopathy. Also called: CEP290 ciliopathy. Identifiers: MedGen CN305601, MONDO:0100451.

Submission:

Myriad Genetics, Inc.
Classification: Pathogenic for CEP290-related ciliopathy. Last evaluated: 2024-07-17. Review status: criteria provided, single submitter. Criteria: Myriad Autosomal Dominant, Autosomal Recessive and X-Linked Classification Criteria (2023). Collection method: clinical testing. Allele origin: unknown.
Comment: NM_025114.3(CEP290):c.5029G>T(E1677*) is expected to be pathogenic in the context of CEP290-related disorders. This variant is predicted to lead to an abnormal or absent protein product due to the creation of a premature termination codon in CEP290, a gene where loss-of-function variants are known to be pathogenic. Please note: this variant was assessed in the context of healthy population screening.